The following is an entry in ClinVar:

ClinVar aggregate classification (germline): Uncertain significance (1 of 4 stars; one submission).

Submission:

Mayo Clinic Laboratories, Mayo Clinic
Classification: Uncertain significance. Last evaluated: 2024-05-10. Review status: criteria provided, single submitter. Criteria: ACMG Guidelines, 2015. Collection method: clinical testing. Allele origin: germline. Observed: 1 variant allele.
Comment: PM2_moderate

Literature cited by the submitters: PubMed 10531360; PubMed 31376207; PubMed 32739800; PubMed 33042797; PubMed 35395428.

NM_001430.5(EPAS1):c.1642G>T (p.Glu548Ter)

Gene: EPAS1 (endothelial PAS domain protein 1; plus strand). Cytogenetic location: 2p21.
Variant type: single nucleotide variant.
Coding change: c.1642G>T on transcript NM_001430.5 (MANE Select); coding-DNA position 1642, G replaced by T.
Protein change: p.Glu548Ter; replaces glutamic acid 548 with a stop codon.
Molecular consequence: nonsense.
Genome position (GRCh38, 1-based): chr2:46,380,314, G>T. VCF-style: chr2-46380314-G-T. GRCh37 (hg19) VCF-style: chr2-46607453-G-T.
Other names: p.Glu548*; short protein forms E548*.
Identifiers: ClinVar variation 3380808 (VCV003380808.1).
Genomic context (GRCh38, chr2:46,380,314, plus strand): 5'-ACACTGGCACCCTATATCCCCATGGACGGGGAAGACTTCCAGCTAAGCCCCATCTGCCCC[G>T]AGGAGCGGCTCTTGGCGGAGAACCCACAGTCCACCCCCCAGCACTGCTTCAGTGCCATGA-3'